The following is an entry in ClinVar:

NM_021160.3(ABHD16A):c.1307+1G>A

Gene: ABHD16A (abhydrolase domain containing 16A, phospholipase; minus strand). Cytogenetic location: 6p21.33.
Variant type: single nucleotide variant.
Coding change: c.1307+1G>A on transcript NM_021160.3 (MANE Select); the canonical splice donor site of the intron after coding-DNA position 1307, G replaced by A.
Molecular consequence: splice donor variant.
Genome position (GRCh38, 1-based): chr6:31,688,248, C>T on the plus strand (G>A on the coding strand, the complement: ABHD16A is on the minus strand). VCF-style: chr6-31688248-C-T. GRCh37 (hg19) VCF-style: chr6-31656025-C-T.
Other names: c.1208+1G>A (NM_001177515.2).
Identifiers: ClinVar variation 3363138 (VCV003363138.1).

ClinVar aggregate classification (germline): Likely pathogenic (1 of 4 stars; one submission).

Conditions:
Spastic paraplegia 86, autosomal recessive (SPG86). Identifiers: Orphanet 631085, MedGen C5676910, MONDO:0030673, OMIM 619735.

gnomAD v4.1: 1 of 1,613,958 alleles (0.000062%); highest among the groups gnomAD compares: Non-Finnish European, 0.000085%; no homozygotes.

Submission:

Genomic Medicine Center of Excellence, King Faisal Specialist Hospital and Research Centre
Classification: Likely pathogenic for Spastic paraplegia 86, autosomal recessive. Last evaluated: 2024-10-13. Review status: criteria provided, single submitter. Criteria: ACMG Guidelines, 2015. Collection method: clinical testing. Allele origin: germline.
Comment: This variant (GRCh38; NM_021160.3:c.1307+1G>A) results in a Splice Donor Site mutation in the ABHD16A gene. This alteration is interpreted as disease-causing mutation (Null variant due to canonical + or 2 splice sites) in a gene where LOF is a known mechanism of disease. Not observed at significant frequency in large population cohorts (gnomAD). This variant has a strong Conservation score. Multiple lines of computational evidence support a deleterious effect on the gene or gene product for this variant. To our knowledge this variant not been previously curated or reported in public Database. In summary, this variant meets our criteria for classification as Likely pathogenic based on the evidence outlined.